The following is an entry in ClinVar:

NC_000002.12:g.121530938T>A

Genes: CLASP1 (cytoplasmic linker associated protein 1; minus strand), CLASP1-AS1 (CLASP1 antisense RNA 1; plus strand), RNU4ATAC (RNA, U4atac small nuclear; plus strand). Cytogenetic location: 2q14.2.
Variant type: single nucleotide variant.
Molecular consequence: intron variant (on NM_001395891.1).
Genome position: GRCh38 VCF-style: chr2-121530938-T-A. GRCh37 (hg19) VCF-style: chr2-122288514-T-A.
Other names: c.196-613A>T (NM_001142274.2, NM_015282.3, NM_001378003.1 and 5 more transcripts).
Identifiers: ClinVar variation 1059859 (VCV001059859.4), dbSNP rs942326759, ClinGen allele CA428887987.

ClinVar aggregate classification (germline): Uncertain significance (1 of 4 stars; one submission).

Allele frequency attached by ClinVar (database versions not stated): gnomAD 0.00001.
gnomAD v4.1: 5 of 700,316 alleles (0.00071%); highest among the groups gnomAD compares: Admixed American, 0.006%; no homozygotes.

Submission:

Labcorp Genetics (formerly Invitae), Labcorp
Classification: Uncertain significance. Last evaluated: 2022-01-28. Review status: criteria provided, single submitter. Criteria: Invitae Variant Classification Sherloc (09022015). Collection method: clinical testing. Allele origin: germline.
Comment: This variant occurs in the RNU4ATAC gene, which encodes an RNA molecule that does not result in a protein product. This variant is present in population databases (no rsID available, gnomAD 0.008%). This variant has not been reported in the literature in individuals affected with RNU4ATAC-related conditions. ClinVar contains an entry for this variant (Variation ID: 1059859). Experimental studies and prediction algorithms are not available or were not evaluated, and the functional significance of this variant is currently unknown. In summary, the available evidence is currently insufficient to determine the role of this variant in disease. Therefore, it has been classified as a Variant of Uncertain Significance.